The following is an entry in ClinVar:

ClinVar aggregate classification (germline): Uncertain significance (1 of 4 stars; one submission).

Submission:

GeneDx
Classification: Uncertain significance. Last evaluated: 2025-06-10. Review status: criteria provided, single submitter. Criteria: GeneDx Variant Classification Process June 2021. Collection method: clinical testing. Allele origin: germline. Affected: yes.
Comment: Not observed at significant frequency in large population cohorts (gnomAD); Nonsense variant predicted to result in protein truncation or nonsense mediated decay in a gene or region of a gene for which loss of function is not a well-established mechanism of disease; Has not been previously published as pathogenic or benign to our knowledge

NM_001267550.2(TTN):c.29452G>T (p.Glu9818Ter)

Gene: TTN (titin; minus strand). Cytogenetic location: 2q31.2.
Variant type: single nucleotide variant.
Coding change: c.29452G>T on transcript NM_001267550.2 (MANE Select); coding-DNA position 29452, G replaced by T.
Protein change: p.Glu9818Ter; replaces glutamic acid 9818 with a stop codon.
Molecular consequence: nonsense. On other transcripts: intron variant (3).
Genome position (GRCh38, 1-based): chr2:178,705,326, C>A on the plus strand (G>T on the coding strand, the complement: TTN is on the minus strand). VCF-style: chr2-178705326-C-A. GRCh37 (hg19) VCF-style: chr2-179570053-C-A.
Other names: c.28501G>T, p.Glu9501Ter (NM_001256850.1); c.25720G>T, p.Glu8574Ter (NM_133378.4); c.13282+32756G>T (NM_003319.4); c.13858+32756G>T (NM_133437.4); c.13657+32756G>T (NM_133432.3); short protein forms E8574*, E9501*, E9818*.
Identifiers: ClinVar variation 4537994 (VCV004537994.1).